The following is an entry in ClinVar:

ClinVar aggregate classification (germline): Likely pathogenic. Review status: criteria provided, single submitter (1 of 4 stars). 2 submissions from 2 submitters: Likely pathogenic (1). 1 of the submissions does not count toward it. Last evaluated 2025-07-15.

Conditions:
Dubin-Johnson syndrome (DJS). Also called: HYPERBILIRUBINEMIA, DUBIN-JOHNSON TYPE; Jaundice, Chronic Idiopathic; Hyperbilirubinemia type 2. Identifiers: Orphanet 234, MedGen C0022350, MONDO:0009380, OMIM 237500.

Submissions (2):

First Genomix Gene Laboratory, Genetic Diagnostics Department
Classification: Likely pathogenic for Dubin-Johnson syndrome. Last evaluated: 2025-07-15. Review status: criteria provided, single submitter. Criteria: ACMG Guidelines, 2015. Collection method: clinical testing. Allele origin: germline. Inheritance: Autosomal recessive inheritance. Affected: no. Observed: 1 variant allele.

Department of Pediatric Gastroenterology, Mersin City Hospital
Classification: Likely pathogenic for Dubin-Johnson syndrome. Last evaluated: 2024-10-30. Review status: no assertion criteria provided. Collection method: clinical testing. Allele origin: germline. Inheritance: Autosomal recessive inheritance. Affected: yes. Observed: 1 homozygote. Not counted in ClinVar's aggregate classification.
Comment: The ABCC2 variant was classified as likely pathogenic according to the ACMG guidelines (PVS1, PM2). This variant is a null variant (frameshift) in ABCC2, predicted to cause NMD. Additionally, the variant was not found in healthy population databases like gnomAD.

NM_000392.5(ABCC2):c.4246_4247del (p.Lys1416fs)

Gene: ABCC2 (ATP binding cassette subfamily C member 2; plus strand). Cytogenetic location: 10q24.2.
Variant type: Deletion.
Coding change: c.4246_4247del on transcript NM_000392.5 (MANE Select); coding-DNA positions 4246 to 4247, 2 bases deleted (AA; older notation c.4246_4247delAA).
Protein change: p.Lys1416fs; shifts the reading frame from lysine 1416.
Molecular consequence: frameshift variant.
Genome position (GRCh38, 1-based): chr10:99,847,060-99,847,061, AA deleted. VCF-style (leftmost placement, unchanged base first): chr10-99847059-CAA-C. GRCh37 (hg19) VCF-style: chr10-101606816-CAA-C.
Other names: p.(Lys1416ValfsTer46); c.4246_4247delAA (NM_000392.5); short protein forms K1416fs.
Identifiers: ClinVar variation 3381181 (VCV003381181.2).
Genomic context (GRCh38, chr10:99,847,059, plus strand): 5'-CGACCCTTTCAACAACTACTCAGATGAGGAGATTTGGAAGGCCTTGGAGCTGGCTCACCT[CAA>C]GTCTTTTGTGGCCAGCCTGCAACTTGGGTTATCCCACGAAGTGACAGAGGCTGGTGGCAA-3'